The following is an entry in ClinVar:

NM_001354604.2(MITF):c.880+1G>A

Gene: MITF (melanocyte inducing transcription factor; plus strand). Cytogenetic location: 3p13.
Variant type: single nucleotide variant.
Coding change: c.880+1G>A on transcript NM_001354604.2 (MANE Select); the canonical splice donor site of the intron after coding-DNA position 880, G replaced by A.
Molecular consequence: splice donor variant.
Genome position (GRCh38, 1-based): chr3:69,949,169, G>A. VCF-style: chr3-69949169-G-A. GRCh37 (hg19) VCF-style: chr3-69998320-G-A.
Other names: c.829+1G>A (NM_001354607.2); c.724+1G>A (NM_001354608.2, NM_001184967.2); c.880+1G>A (NM_198159.3); c.877+1G>A (NM_001354605.2, NM_001354606.2, NM_006722.3); c.832+1G>A (NM_198177.3); c.559+1G>A (NM_000248.4, NM_198158.3); c.391+1G>A (NM_198178.3).
Identifiers: ClinVar variation 3601255 (VCV003601255.3).

ClinVar aggregate classification (germline): Likely pathogenic. Review status: criteria provided, multiple submitters, no conflicts (2 of 4 stars). 2 submissions from 2 submitters: Likely pathogenic (2). Last evaluated 2025-01-09.

Conditions:
Waardenburg syndrome type 2A (WS2A). Also called: WAARDENBURG SYNDROME WITHOUT DYSTOPIA CANTHORUM. Identifiers: Orphanet 3440, MedGen C1860339, MONDO:0008671, OMIM 193510.
Melanoma, cutaneous malignant, susceptibility to, 8. Also called: Cutaneous malignant melanoma 8; MELANOMA AND RENAL CELL CARCINOMA, SUSCEPTIBILITY TO. Identifiers: Orphanet 293822, MedGen C3152204, MONDO:0013759, OMIM 614456.
Tietz syndrome (TADS). Also called: HYPOPIGMENTATION/DEAFNESS OF TIETZ; TIETZ ALBINISM-DEAFNESS SYNDROME; ALBINISM-DEAFNESS OF TIETZ. Identifiers: Orphanet 42665, MedGen C0391816, MONDO:0007077, OMIM 103500.

Submissions (2):

Institute of Rare Diseases, West China Hospital, Sichuan University
Classification: Likely pathogenic for Waardenburg syndrome type 2A. Last evaluated: 2025-01-09. Review status: criteria provided, single submitter. Criteria: ClinGen HL ACMG Specifications v1. Collection method: research. Allele origin: germline. Affected: yes.
Comment: PVS1;PM2_Supporting

Labcorp Genetics (formerly Invitae), Labcorp
Classification: Likely pathogenic for Melanoma, cutaneous malignant, susceptibility to, 8; Waardenburg syndrome type 2A; Tietz syndrome. Last evaluated: 2024-02-23. Review status: criteria provided, single submitter. Criteria: Invitae Variant Classification Sherloc (09022015). Collection method: clinical testing. Allele origin: germline.
Comment: This sequence change affects a donor splice site in intron 5 of the MITF gene. It is expected to disrupt RNA splicing. Variants that disrupt the donor or acceptor splice site typically lead to a loss of protein function (PMID: 16199547), and loss-of-function variants in MITF are known to be pathogenic (PMID: 8659547, 20127975). This variant is not present in population databases (gnomAD no frequency). This variant has not been reported in the literature in individuals affected with MITF-related conditions. Algorithms developed to predict the effect of sequence changes on RNA splicing suggest that this variant may disrupt the consensus splice site. In summary, the currently available evidence indicates that the variant is pathogenic, but additional data are needed to prove that conclusively. Therefore, this variant has been classified as Likely Pathogenic.

Literature cited by the submitters: PubMed 16199547 (cited by Labcorp Genetics (formerly Invitae), Labcorp); PubMed 8659547 (cited by Labcorp Genetics (formerly Invitae), Labcorp); PubMed 20127975 (cited by Labcorp Genetics (formerly Invitae), Labcorp).